The following is an entry in ClinVar:

NM_006258.4(PRKG1):c.1549G>A (p.Asp517Asn)

Gene: PRKG1 (protein kinase cGMP-dependent 1; plus strand). Cytogenetic location: 10q21.1.
Variant type: single nucleotide variant.
Coding change: c.1549G>A on transcript NM_006258.4 (MANE Select); coding-DNA position 1549, G replaced by A.
Protein change: p.Asp517Asn; replaces aspartic acid 517 with asparagine.
Molecular consequence: missense variant.
Genome position (GRCh38, 1-based): chr10:52,282,156, G>A. VCF-style: chr10-52282156-G-A. GRCh37 (hg19) VCF-style: chr10-54041916-G-A.
Other names: c.1504G>A, p.Asp502Asn (NM_001098512.3); c.340G>A, p.Asp114Asn (NM_001374781.1); short protein forms D517N, D114N, D502N.
Identifiers: ClinVar variation 3728783 (VCV003728783.2).

ClinVar aggregate classification (germline): Uncertain significance (1 of 4 stars; one submission).

Conditions:
Aortic aneurysm, familial thoracic 8 (AAT8). Identifiers: MedGen C3809513, MONDO:0014187, OMIM 615436.

Submission:

Labcorp Genetics (formerly Invitae), Labcorp
Classification: Uncertain significance for Aortic aneurysm, familial thoracic 8. Last evaluated: 2025-01-11. Review status: criteria provided, single submitter. Criteria: Invitae Variant Classification Sherloc (09022015). Collection method: clinical testing. Allele origin: germline.
Comment: This sequence change replaces aspartic acid, which is acidic and polar, with asparagine, which is neutral and polar, at codon 517 of the PRKG1 protein (p.Asp517Asn). This variant is not present in population databases (gnomAD no frequency). This variant has not been reported in the literature in individuals affected with PRKG1-related conditions. An algorithm developed to predict the effect of missense changes on protein structure and function (PolyPhen-2) suggests that this variant is likely to be disruptive. In summary, the available evidence is currently insufficient to determine the role of this variant in disease. Therefore, it has been classified as a Variant of Uncertain Significance.